The following is an entry in ClinVar:

ClinVar aggregate classification (germline): Uncertain significance (1 of 4 stars; one submission).

Submission:

GeneDx
Classification: Uncertain significance. Last evaluated: 2025-06-25. Review status: criteria provided, single submitter. Criteria: GeneDx Variant Classification Process June 2021. Collection method: clinical testing. Allele origin: germline. Affected: yes.
Comment: Not observed at significant frequency in large population cohorts (gnomAD); In silico analysis suggests that this missense variant does not alter protein structure/function; Has not been previously published as pathogenic or benign to our knowledge

NM_002860.4(ALDH18A1):c.1895A>G (p.Gln632Arg)

Gene: ALDH18A1 (aldehyde dehydrogenase 18 family member A1; minus strand). Cytogenetic location: 10q24.1.
Variant type: single nucleotide variant.
Coding change: c.1895A>G on transcript NM_002860.4 (MANE Select); coding-DNA position 1895, A replaced by G.
Protein change: p.Gln632Arg; replaces glutamine 632 with arginine.
Molecular consequence: missense variant.
Genome position (GRCh38, 1-based): chr10:95,613,770, T>C on the plus strand (A>G on the coding strand, the complement: ALDH18A1 is on the minus strand). VCF-style: chr10-95613770-T-C. GRCh37 (hg19) VCF-style: chr10-97373527-T-C.
Other names: c.1889A>G, p.Gln630Arg (NM_001017423.2, NM_001323415.2); c.1562A>G, p.Gln521Arg (NM_001323412.2, NM_001323416.2); c.1895A>G, p.Gln632Arg (NM_001323413.2, NM_001323414.2); c.1790A>G, p.Gln597Arg (NM_001323417.2); c.1556A>G, p.Gln519Arg (NM_001323418.2); c.1259A>G, p.Gln420Arg (NM_001323419.2); short protein forms Q420R, Q519R, Q521R, Q597R, Q630R, Q632R.
Identifiers: ClinVar variation 4539870 (VCV004539870.1).